The following is an entry in ClinVar:

NM_001048174.2(MUTYH):c.659C>T (p.Ala220Val)

Gene: MUTYH (mutY DNA glycosylase; minus strand). Cytogenetic location: 1p34.1.
Variant type: single nucleotide variant.
Coding change: c.659C>T on transcript NM_001048174.2 (MANE Select); coding-DNA position 659, C replaced by T.
Protein change: p.Ala220Val; replaces alanine 220 with valine.
Molecular consequence: missense variant. On other transcripts: non-coding transcript variant (7).
Genome position (GRCh38, 1-based): chr1:45,332,436, G>A on the plus strand (C>T on the coding strand, the complement: MUTYH is on the minus strand). VCF-style: chr1-45332436-G-A. GRCh37 (hg19) VCF-style: chr1-45798108-G-A.
Other names: c.659C>T, p.Ala220Val (NM_001048171.2, NM_001048173.2, NM_001407073.1 and 6 more transcripts); c.662C>T, p.Ala221Val (NM_001048172.2, NM_001407078.1, NM_001407071.1 and 1 more transcripts); c.743C>T, p.Ala248Val (NM_001128425.2); c.704C>T, p.Ala235Val (NM_001293190.2); c.575C>T, p.Ala192Val (NM_001407075.1); c.692C>T, p.Ala231Val (NM_001407077.1, NM_001293191.2, NM_001407069.1); c.620C>T, p.Ala207Val (NM_001407079.1); c.617C>T, p.Ala206Val (NM_001407080.1); and 5 more; short protein forms A206V, A231V, A234V, A245V, A192V, A105V, A207V, A235V.
Identifiers: ClinVar variation 2727617 (VCV002727617.5), dbSNP rs2149144083, ClinGen allele CA340134834.

ClinVar aggregate classification (germline): Uncertain significance. Review status: criteria provided, multiple submitters, no conflicts (2 of 4 stars). 3 submissions from 3 submitters: Uncertain significance (3). Last evaluated 2025-06-03.

Conditions:
Hereditary cancer-predisposing syndrome. Also called: Hereditary Cancer Syndrome; Hereditary neoplastic syndrome; Neoplastic Syndromes, Hereditary; Tumor predisposition. Identifiers: Orphanet 140162, MedGen C0027672, MeSH D009386, MONDO:0015356.
Familial adenomatous polyposis 2. Also called: MUTYH-associated polyposis; Adenomas, multiple colorectal; COLORECTAL ADENOMATOUS POLYPOSIS, AUTOSOMAL RECESSIVE; ADENOMAS, MULTIPLE COLORECTAL, AUTOSOMAL RECESSIVE; MUTYH-related attenuated familial adenomatous polyposis; MYH-associated polyposis. Identifiers: Orphanet 220460, Orphanet 247798, MedGen C3272841, MONDO:0012041, OMIM 608456.

Allele frequency attached by ClinVar (database versions not stated): gnomAD exomes below 0.00001.
gnomAD v4.1: 1 of 1,614,144 alleles (0.000062%); highest among the groups gnomAD compares: Non-Finnish European, 0.000085%; no homozygotes.

Submissions (3):

Color Diagnostics, LLC DBA Color Health
Classification: Uncertain significance for Hereditary cancer-predisposing syndrome. Last evaluated: 2025-06-03. Review status: criteria provided, single submitter. Criteria: ACMG Guidelines, 2015. Collection method: clinical testing. Allele origin: germline.
Comment: This missense variant replaces alanine with valine at codon 248 of the MUTYH protein. Computational prediction is inconclusive regarding the impact of this variant on protein structure and function. To our knowledge, functional studies have not been reported for this variant. This variant has not been reported in individuals affected with MUTYH-related disorders in the literature. This variant has not been identified in the general population by the Genome Aggregation Database (gnomAD). The available evidence is insufficient to determine the role of this variant in disease conclusively. Therefore, this variant is classified as a Variant of Uncertain Significance.

Ambry Genetics
Classification: Uncertain significance for Hereditary cancer-predisposing syndrome. Last evaluated: 2024-12-12. Review status: criteria provided, single submitter. Criteria: Ambry Variant Classification Scheme 2023. Collection method: clinical testing. Allele origin: germline.
Comment: The p.A248V variant (also known as c.743C>T), located in coding exon 9 of the MUTYH gene, results from a C to T substitution at nucleotide position 743. The alanine at codon 248 is replaced by valine, an amino acid with similar properties. This amino acid position is conserved. In addition, the in silico prediction for this alteration is inconclusive. Based on the available evidence, the clinical significance of this variant remains unclear.

Labcorp Genetics (formerly Invitae), Labcorp
Classification: Uncertain significance for Familial adenomatous polyposis 2. Last evaluated: 2024-12-09. Review status: criteria provided, single submitter. Criteria: Invitae Variant Classification Sherloc (09022015). Collection method: clinical testing. Allele origin: germline.
Comment: This sequence change replaces alanine, which is neutral and non-polar, with valine, which is neutral and non-polar, at codon 248 of the MUTYH protein (p.Ala248Val). This variant is not present in population databases (gnomAD no frequency). This variant has not been reported in the literature in individuals affected with MUTYH-related conditions. ClinVar contains an entry for this variant (Variation ID: 2727617). An algorithm developed to predict the effect of missense changes on protein structure and function (PolyPhen-2) suggests that this variant is likely to be tolerated. In summary, the available evidence is currently insufficient to determine the role of this variant in disease. Therefore, it has been classified as a Variant of Uncertain Significance.